The following is an entry in ClinVar:

NM_182961.4(SYNE1):c.16945G>A (p.Glu5649Lys)

Genes: SYNE1 (spectrin repeat containing nuclear envelope protein 1; minus strand), LOC126859837 (BRD4-independent group 4 enhancer GRCh37_chr6:152630775-152631974; plus strand). Cytogenetic location: 6q25.2.
Variant type: single nucleotide variant.
Coding change: c.16945G>A on transcript NM_182961.4 (MANE Select); coding-DNA position 16945, G replaced by A.
Protein change: p.Glu5649Lys; replaces glutamic acid 5649 with lysine.
Molecular consequence: missense variant.
Genome position (GRCh38, 1-based): chr6:152,310,470, C>T on the plus strand (G>A on the coding strand, the complement: SYNE1 is on the minus strand). VCF-style: chr6-152310470-C-T. GRCh37 (hg19) VCF-style: chr6-152631605-C-T.
Other names: c.16732G>A, p.Glu5578Lys (NM_033071.5); short protein forms E5578K, E5649K.
Identifiers: ClinVar variation 1406940 (VCV001406940.6), dbSNP rs2153836745, ClinGen allele CA366107486.

ClinVar aggregate classification (germline): Uncertain significance (1 of 4 stars; one submission).

Conditions:
Emery-Dreifuss muscular dystrophy 4, autosomal dominant (EDMD4). Also called: EMERY-DREIFUSS MUSCULAR DYSTROPHY 4 WITH VARIABLE FEATURES. Identifiers: Orphanet 261, MedGen C2751807, MONDO:0013071, OMIM 612998.
Autosomal recessive ataxia, Beauce type. Also called: SYNE1-Related Autosomal Recessive Cerebellar Ataxia; Spinocerebellar ataxia, autosomal recessive 8; ATAXIA, RECESSIVE, OF BEAUCE; SYNE1 Deficiency. Identifiers: Orphanet 88644, MedGen C1853116, MONDO:0012549, OMIM 610743.

Submission:

Labcorp Genetics (formerly Invitae), Labcorp
Classification: Uncertain significance for Emery-Dreifuss muscular dystrophy 4, autosomal dominant; Autosomal recessive ataxia, Beauce type. Last evaluated: 2021-12-02. Review status: criteria provided, single submitter. Criteria: Invitae Variant Classification Sherloc (09022015). Collection method: clinical testing. Allele origin: germline.
Comment: This sequence change replaces glutamic acid, which is acidic and polar, with lysine, which is basic and polar, at codon 5578 of the SYNE1 protein (p.Glu5578Lys). This variant is not present in population databases (gnomAD no frequency). This variant has not been reported in the literature in individuals affected with SYNE1-related conditions. Algorithms developed to predict the effect of missense changes on protein structure and function are either unavailable or do not agree on the potential impact of this missense change (SIFT: "Deleterious"; PolyPhen-2: "Benign"; Align-GVGD: "Class C55"). In summary, the available evidence is currently insufficient to determine the role of this variant in disease. Therefore, it has been classified as a Variant of Uncertain Significance.